The following is an entry in ClinVar:

NM_006767.4(LZTR1):c.1353+5G>T

Gene: LZTR1 (leucine zipper like post translational regulator 1; plus strand). Cytogenetic location: 22q11.21.
Variant type: single nucleotide variant.
Coding change: c.1353+5G>T on transcript NM_006767.4 (MANE Select); 5 bases into the intron after coding-DNA position 1353, G replaced by T.
Molecular consequence: intron variant.
Genome position (GRCh38, 1-based): chr22:20,993,759, G>T. VCF-style: chr22-20993759-G-T. GRCh37 (hg19) VCF-style: chr22-21348048-G-T.
Other names: c.1353+5G>T (NM_006767.3).
Identifiers: ClinVar variation 2576713 (VCV002576713.5), dbSNP rs544140578, ClinGen allele CA10118827.

ClinVar aggregate classification (germline): Uncertain significance. Review status: criteria provided, multiple submitters, no conflicts (2 of 4 stars). 4 submissions from 4 submitters: Uncertain significance (4). Last evaluated 2025-06-12.

Conditions:
Cardiovascular phenotype. Identifiers: MedGen CN230736.
Hereditary cancer-predisposing syndrome. Also called: Tumor predisposition; Hereditary neoplastic syndrome; Neoplastic Syndromes, Hereditary; Hereditary Cancer Syndrome. Identifiers: Orphanet 140162, MedGen C0027672, MeSH D009386, MONDO:0015356.
LZTR1-related schwannomatosis. Also called: Schwannomatosis 2; Schwannomatosis-2, susceptibility to. Identifiers: Orphanet 93921, MedGen C3810283, MONDO:0014299, OMIM 615670.

Submissions (4):

Labcorp Genetics (formerly Invitae), Labcorp
Classification: Uncertain significance. Last evaluated: 2025-06-12. Review status: criteria provided, single submitter. Criteria: Invitae Variant Classification Sherloc (09022015). Collection method: clinical testing. Allele origin: germline.
Comment: This sequence change falls in intron 12 of the LZTR1 gene. It does not directly change the encoded amino acid sequence of the LZTR1 protein. It affects a nucleotide within the consensus splice site. The frequency data for this variant in the population databases is considered unreliable, as metrics indicate poor data quality at this position in the gnomAD database. This variant has not been reported in the literature in individuals affected with LZTR1-related conditions. ClinVar contains an entry for this variant (Variation ID: 2576713). Variants that disrupt the consensus splice site are a relatively common cause of aberrant splicing (PMID: 17576681, 9536098). Algorithms developed to predict the effect of sequence changes on RNA splicing suggest that this variant may disrupt the consensus splice site. In summary, the available evidence is currently insufficient to determine the role of this variant in disease. Therefore, it has been classified as a Variant of Uncertain Significance.

Baylor Genetics
Classification: Uncertain significance for LZTR1-related schwannomatosis. Last evaluated: 2024-01-04. Review status: criteria provided, single submitter. Criteria: ACMG Guidelines, 2015. Collection method: clinical testing. Allele origin: unknown.

Ambry Genetics
Classification: Uncertain significance for Cardiovascular phenotype; Hereditary cancer-predisposing syndrome. Last evaluated: 2023-08-08. Review status: criteria provided, single submitter. Criteria: Ambry Variant Classification Scheme 2023. Collection method: clinical testing. Allele origin: germline.
Comment: The c.1353+5G>T intronic variant results from a G to T substitution 5 nucleotides after coding exon 12 in the LZTR1 gene. This nucleotide position is highly conserved in available vertebrate species. In silico splice site analysis predicts that this alteration will weaken the native splice donor site; however, direct evidence is insufficient at this time (Ambry internal data). Since supporting evidence is limited at this time, the clinical significance of this alteration remains unclear.

GeneDx
Classification: Uncertain significance. Last evaluated: 2023-02-21. Review status: criteria provided, single submitter. Criteria: GeneDx Variant Classification Process June 2021. Collection method: clinical testing. Allele origin: germline. Affected: yes.
Comment: Not observed at significant frequency in large population cohorts (gnomAD); Intronic +5 splice site variant in a gene for which loss of function is a known mechanism of disease, and both splice predictors and evolutionary conservation support a deleterious effect, although in the absence of functional evidence the actual effect of this sequence change is unknown; Has not been previously published as pathogenic or benign to our knowledge

Literature cited by the submitters: PubMed 17576681 (cited by Labcorp Genetics (formerly Invitae), Labcorp); PubMed 9536098 (cited by Labcorp Genetics (formerly Invitae), Labcorp).